The following is an entry in ClinVar:

ClinVar aggregate classification (germline): Uncertain significance (1 of 4 stars; one submission).

Conditions:
Immunodeficiency 104. Also called: Severe Combined Immune Deficiency, Autosomal Recessive, TCell -Negative, B Cell-Positive, NK Cell-Positive, IL7R-Related; Severe combined immunodeficiency, autosomal recessive, T cell-negative, B cell-positive, NK cell-positive; SCID, AUTOSOMAL RECESSIVE, T CELL-NEGATIVE, B CELL-POSITIVE, NK CELL-POSITIVE; IMMUNODEFICIENCY 104, SEVERE COMBINED. Identifiers: MedGen C5676890, MONDO:0012163, OMIM 608971.

gnomAD v4.1: 7 of 1,613,854 alleles (0.00043%); highest among the groups gnomAD compares: African/African-American, 0.0013%; no homozygotes.

Submission:

Labcorp Genetics (formerly Invitae), Labcorp
Classification: Uncertain significance for Immunodeficiency 104. Last evaluated: 2025-04-27. Review status: criteria provided, single submitter. Criteria: Invitae Variant Classification Sherloc (09022015). Collection method: clinical testing. Allele origin: germline.
Comment: This sequence change replaces threonine, which is neutral and polar, with isoleucine, which is neutral and non-polar, at codon 228 of the IL7R protein (p.Thr228Ile). The frequency data for this variant in the population databases is considered unreliable, as metrics indicate poor data quality at this position in the gnomAD database. This variant has not been reported in the literature in individuals affected with IL7R-related conditions. Invitae Evidence Modeling of protein sequence and biophysical properties (such as structural, functional, and spatial information, amino acid conservation, physicochemical variation, residue mobility, and thermodynamic stability) has been performed for this missense variant. However, the output from this modeling did not meet the statistical confidence thresholds required to predict the impact of this variant on IL7R protein function. In summary, the available evidence is currently insufficient to determine the role of this variant in disease. Therefore, it has been classified as a Variant of Uncertain Significance.

NM_002185.5(IL7R):c.683C>T (p.Thr228Ile)

Gene: IL7R (interleukin 7 receptor; plus strand). Cytogenetic location: 5p13.2.
Variant type: single nucleotide variant.
Coding change: c.683C>T on transcript NM_002185.5 (MANE Select); coding-DNA position 683, C replaced by T.
Protein change: p.Thr228Ile; replaces threonine 228 with isoleucine.
Molecular consequence: missense variant.
Genome position (GRCh38, 1-based): chr5:35,873,625, C>T. VCF-style: chr5-35873625-C-T. GRCh37 (hg19) VCF-style: chr5-35873727-C-T.
Other names: c.683C>T, p.Thr228Ile (NM_001410734.1, NM_001437963.1, NM_001437964.1); short protein forms T228I.
Identifiers: ClinVar variation 4701768 (VCV004701768.1).
Genomic context (GRCh38, chr5:35,873,625, plus strand): 5'-TCCCTGATCACTATTTTAAAGGCTTCTGGAGTGAATGGAGTCCAAGTTATTACTTCAGAA[C>T]TCCAGAGATCAATAATAGCTCAGGTAAGGAATGGTGGTAGAGTTTTTGTTCCCTCAGAGT-3'
Protein context (NP_002176.2, residues 218-238): SEWSPSYYFR[Thr228Ile]PEINNSSGEM